The following is an entry in ClinVar:

NM_001130987.2(DYSF):c.6241C>T (p.Arg2081Cys)

Gene: DYSF (dysferlin; plus strand). Cytogenetic location: 2p13.2.
Variant type: single nucleotide variant.
Coding change: c.6241C>T on transcript NM_001130987.2 (MANE Select); coding-DNA position 6241, C replaced by T.
Protein change: p.Arg2081Cys; replaces arginine 2081 with cysteine.
Molecular consequence: missense variant.
Genome position (GRCh38, 1-based): chr2:71,682,597, C>T. VCF-style: chr2-71682597-C-T. GRCh37 (hg19) VCF-style: chr2-71909727-C-T.
Other names: NM_001130987.2(DYSF):c.6241C>T; p.Arg2081Cys; c.6127C>T, p.Arg2043Cys (NM_001130455.2); c.6082C>T, p.Arg2028Cys (NM_001130976.2); c.6145C>T, p.Arg2049Cys (NM_001130977.2); c.6187C>T, p.Arg2063Cys (NM_001130978.2); c.6217C>T, p.Arg2073Cys (NM_001130979.2); c.6175C>T, p.Arg2059Cys (NM_001130980.2); and 7 more; short protein forms R2042C, R2063C, R2081C, R2028C, R2029C, R2049C, R2059C, R2060C.
Identifiers: ClinVar variation 6668 (VCV000006668.80), dbSNP rs121908955, ClinGen allele CA222203.

ClinVar aggregate classification (germline): Pathogenic. Review status: reviewed by expert panel (3 of 4 stars). 18 submissions from 17 submitters: Pathogenic (1). 17 of the submissions do not count toward it. Last evaluated 2025-07-29.

Conditions:
DYSF-related disorder. Also called: DYSF-related disorders; DYSF-related condition.
Autosomal recessive limb-girdle muscular dystrophy. Identifiers: Orphanet 102015, MedGen C2931907, MONDO:0015152.
Neuromuscular disease caused by qualitative or quantitative defects of dysferlin. Also called: Dysferlinopathy; Qualitative or quantitative defects of dysferlin. Identifiers: Orphanet 207073, MedGen C2931687, MONDO:0016145.
Autosomal recessive limb-girdle muscular dystrophy type 2B (LGMDR2). Also called: MUSCULAR DYSTROPHY, LIMB-GIRDLE, TYPE 3; Limb-girdle muscular dystrophy, type 2B; Limb-Girdle Muscular Dystrophy Type 2B (LGMD2B); MUSCULAR DYSTROPHY, LIMB-GIRDLE, AUTOSOMAL RECESSIVE 2. Identifiers: Orphanet 268, MedGen C1850889, MONDO:0009676, OMIM 253601.
Distal myopathy with anterior tibial onset. Identifiers: Orphanet 178400, MedGen C1847532, MONDO:0011721, OMIM 606768.
Miyoshi muscular dystrophy 1 (MMD1). Identifiers: Orphanet 45448, MedGen C4551973, MONDO:0024545, OMIM 254130.
Abnormality of the musculature. Identifiers: MedGen C4021745, HP:0003011.

Allele frequency attached by ClinVar (database versions not stated): TOPMed 0.00004; gnomAD 0.00002 and 0.00003; gnomAD exomes 0.00003 and 0.00004; ExAC 0.00004.
gnomAD v4.1: 69 of 1,613,988 alleles (0.0043%); highest among the groups gnomAD compares: Non-Finnish European, 0.0053%; no homozygotes.

Submissions 1 to 10 of 18:

ClinGen Limb Girdle Muscular Dystrophy Variant Curation Expert Panel, ClinGen
Classification: Pathogenic for Autosomal recessive limb-girdle muscular dystrophy. Last evaluated: 2025-07-29. Review status: reviewed by expert panel. Criteria: ClinGen LGMD VCEP ACMG Specifications DYSF V1.0.0. Collection method: curation. Allele origin: germline. Inheritance: Autosomal recessive inheritance.
Comment: The NM_003494.4: c.6124C>T variant in DYSF, which is also known as NM_001130987.2: c.6241C>T p.(Arg2081Cys), is a missense variant predicted to cause substitution of arginine by cysteine at amino acid 2042, p.(Arg2042Cys). This variant has been observed in more than 12 patients with limb girdle muscular dystrophy (PMID: 36983702, 25574751, 22194990, 21522182, 18853459, 17698709, 16100712), including confirmed in trans with a likely pathogenic or pathogenic variant in at least two patients (NM_003494.4: c.331C>T p.(Gln111Ter), 1.0 pt, PMID: 36983702; NM_003494.4: c.5768-1G>C, 1.0 pt, PMID: 36983702) (PM3_Strong). At least one patient with this variant and a second presumed diagnostic DYSF allele displayed progressive limb girdle muscle weakness and severely reduced dysferlin protein expression in skeletal muscle or blood monocytes, which is highly specific for DYSF-associated LGMD (PP4_Strong, PMID: 36983702). The filtering allele frequency for this variant is 0.000064907 in gnomAD v4.1.0 exomes (the upper threshold of the 95% CI of 58/1112004 European (non-Finnish) chromosomes), which is less than the ClinGen LGMD VCEP threshold (0.0001) (PM2_Supporting). The computational predictor REVEL gives a score of 0.86, which is above the LGMD VCEP threshold of 0.70, evidence that correlates with impact to DYSF function (PP3). Immunofluorescence and 2-A assays of dysferlin membrane localization in HEK293T cells showed conflicting results for the Arg2042Cys protein, which was classified as functional by 2-A assay but non-functional by immunofluorescence assay (PMID: 35028538; PS3_Moderate not met). In summary, this variant meets the criteria to be classified as Pathogenic for autosomal recessive limb girdle muscular dystrophy based on the ACMG/AMP criteria applied, as specified by the ClinGen LGMD VCEP (LGMD VCEP specifications version 1.0.0; 07/29/2025): PM3_Strong, PP4_Strong, PM2_Supporting, PP3.

CeGaT Center for Human Genetics Tuebingen
Classification: Pathogenic. Last evaluated: 2026-09-01. Review status: criteria provided, single submitter. Criteria: CeGaT Center For Human Genetics Tuebingen Variant Classification Criteria Version 2. Collection method: clinical testing. Allele origin: germline. Affected: yes. Observed: 2 variant alleles. Not counted in ClinVar's aggregate classification.
Comment: DYSF: PM3:Very Strong, PM2

Labcorp Genetics (formerly Invitae), Labcorp
Classification: Pathogenic for Neuromuscular disease caused by qualitative or quantitative defects of dysferlin. Last evaluated: 2026-01-30. Review status: criteria provided, single submitter. Criteria: Invitae Variant Classification Sherloc (09022015). Collection method: clinical testing. Allele origin: germline. Not counted in ClinVar's aggregate classification.
Comment: This sequence change replaces arginine, which is basic and polar, with cysteine, which is neutral and slightly polar, at codon 2042 of the DYSF protein (p.Arg2042Cys). This variant is present in population databases (rs121908955, gnomAD 0.006%). This missense change has been observed in individual(s) with limb-girdle muscular dystrophy and Miyoshi myopathy (PMID: 16100712, 17698709, 22194990, 25574751, 27666772). In at least one individual the data is consistent with being in trans (on the opposite chromosome) from a pathogenic variant. ClinVar contains an entry for this variant (Variation ID: 6668). Invitae Evidence Modeling of protein sequence and biophysical properties (such as structural, functional, and spatial information, amino acid conservation, physicochemical variation, residue mobility, and thermodynamic stability) has been performed for this missense variant. However, the output from this modeling did not meet the statistical confidence thresholds required to predict the impact of this variant on DYSF protein function. Experimental studies have shown that this missense change affects DYSF function (PMID: 27641898). For these reasons, this variant has been classified as Pathogenic.

Dasa
Classification: Pathogenic. Last evaluated: 2025-10-23. Review status: criteria provided, single submitter. Criteria: DASA Assertion Criteria. Collection method: clinical testing. Allele origin: germline. Not counted in ClinVar's aggregate classification.
Comment: NM_001130987.2(DYSF):c.6241C>T (p.Arg2081Cys) is a missense variant that results in the substitution of arginine with cysteine. Segregation evidence has been reported in affected families. This variant has been observed in affected individuals with related phenotype in a genotype context consistent with recessive disease (PMID: 9731526; PMID: 16100712; PMID: 17698709; PMID: 22194990; PMID: 27666772). Functional evidence supports a deleterious effect on the gene or gene product (PMID: 9731526; PMID: 16100712; PMID: 17698709; PMID: 22194990; PMID: 27666772). This variant has been recurrently observed in individuals with related phenotype (PMID: 9731526; PMID: 16100712; PMID: 17698709; PMID: 22194990; PMID: 27666772). Multiple computational predictions support a deleterious effect on the gene or gene product. The variant is present at low frequency in population datasets. Based on the available data, this variant is classified as pathogenic.

Natera, Inc.
Classification: Pathogenic for Limb-girdle muscular dystrophy type 2B. Last evaluated: 2025-08-01. Review status: criteria provided, single submitter. Criteria: Natera Variant Classification Schema (03/2026). Collection method: clinical testing. Allele origin: germline. Not counted in ClinVar's aggregate classification.
Comment: The c.6124C>T variant in DYSF is a missense variant predicted to cause substitution of arginine to cysteine at amino acid 2042. This variant is rare in the general population with a frequency below the threshold expected for the associated phenotype(s). This variant has been observed in one or more individuals affected with the associated recessive disease, as either homozygous or compound heterozygous with a second variant (PMID: 33715265, 17994539). Additionally, this variant has been observed to segregate in affected family members (PMID: 33715265). Computational prediction algorithms indicate this variant is likely to affect gene or protein function. Given the available evidence, this variant is classified as Pathogenic.

Revvity Omics, Revvity
Classification: Pathogenic. Last evaluated: 2025-03-18. Review status: criteria provided, single submitter. Criteria: ACMG Guidelines, 2015. Collection method: clinical testing. Allele origin: germline. Not counted in ClinVar's aggregate classification.

Blueprint Genetics
Classification: Pathogenic for DYSF-related disorders. Last evaluated: 2024-06-10. Review status: criteria provided, single submitter. Criteria: ACMG Guidelines, 2015. Collection method: clinical testing. Allele origin: germline. Affected: yes. Observed: 3 variant alleles. Not counted in ClinVar's aggregate classification.

Fulgent Genetics
Classification: Pathogenic for Autosomal recessive limb-girdle muscular dystrophy type 2B; Miyoshi muscular dystrophy 1; Distal myopathy with anterior tibial onset. Last evaluated: 2024-03-04. Review status: criteria provided, single submitter. Criteria: ACMG Guidelines, 2015. Collection method: clinical testing. Allele origin: germline. Not counted in ClinVar's aggregate classification.

Baylor Genetics
Classification: Pathogenic for Miyoshi muscular dystrophy 1. Last evaluated: 2024-03-02. Review status: criteria provided, single submitter. Criteria: ACMG Guidelines, 2015. Collection method: clinical testing. Allele origin: unknown. Not counted in ClinVar's aggregate classification.

GeneDx
Classification: Pathogenic. Last evaluated: 2024-03-02. Review status: criteria provided, single submitter. Criteria: GeneDx Variant Classification Process June 2021. Collection method: clinical testing. Allele origin: germline. Affected: yes. Not counted in ClinVar's aggregate classification.
Comment: In silico analysis supports that this missense variant has a deleterious effect on protein structure/function; Not observed at a significant frequency in large population cohorts (gnomAD); This variant is associated with the following publications: (PMID: 18832576, 16996541, 9731526, 25574751, 18974570, 17994539, 18853459, 17698709, 27290639, 27666772, 19493611, 16100712, 17070050, 21522182, 31589614, 33250842, 32528171, 33715265, 33610434, 35723113, 34559919, 21520333, 22213072)